The following is an entry in ClinVar:

NM_000051.4(ATM):c.7089+5G>T

Genes: C11orf65 (chromosome 11 open reading frame 65; minus strand), ATM (ATM serine/threonine kinase; plus strand). Cytogenetic location: 11q22.3.
Variant type: single nucleotide variant.
Coding change: c.7089+5G>T on transcript NM_000051.4 (MANE Select); 5 bases into the intron after coding-DNA position 7089, G replaced by T.
Molecular consequence: intron variant.
Genome position (GRCh38, 1-based): chr11:108,327,763, G>T. VCF-style: chr11-108327763-G-T. GRCh37 (hg19) VCF-style: chr11-108198490-G-T.
Other names: c.7089+5G>T (NM_001351834.2); c.641-18692C>A (NM_001330368.2); c.*38+7457C>A (NM_001351110.2).
Identifiers: ClinVar variation 3021647 (VCV003021647.4), dbSNP rs1351209504, ClinGen allele CA2497029988.

ClinVar aggregate classification (germline): Uncertain significance. Review status: criteria provided, multiple submitters, no conflicts (2 of 4 stars). 2 submissions from 2 submitters: Uncertain significance (2). Last evaluated 2026-01-06.

Conditions:
Hereditary cancer-predisposing syndrome. Also called: Tumor predisposition; Hereditary Cancer Syndrome; Hereditary neoplastic syndrome; Neoplastic Syndromes, Hereditary. Identifiers: Orphanet 140162, MedGen C0027672, MeSH D009386, MONDO:0015356.
Ataxia-telangiectasia syndrome (AT). Also called: ATAXIA-TELANGIECTASIA, COMPLEMENTATION GROUP A; ATAXIA-TELANGIECTASIA, FRESNO VARIANT; Ataxia-telangiectasia; Ataxia-telangiectasia, complementation group E; LOUIS-BAR SYNDROME; Cerebello-oculocutaneous telangiectasia. Identifiers: Orphanet 100, MedGen C0004135, MONDO:0008840, OMIM 208900.

Submissions (2):

Ambry Genetics
Classification: Uncertain significance for Hereditary cancer-predisposing syndrome. Last evaluated: 2026-01-06. Review status: criteria provided, single submitter. Criteria: Ambry Variant Classification Scheme 2023. Collection method: clinical testing. Allele origin: germline.
Comment: The c.7089+5G>T intronic variant results from a G to T substitution 5 nucleotides after coding exon 47 in the ATM gene. This nucleotide position is well conserved in available vertebrate species. In silico splice site analysis predicts that this alteration will not have any significant effect on splicing. Based on the available evidence, the clinical significance of this variant remains unclear.

Labcorp Genetics (formerly Invitae), Labcorp
Classification: Uncertain significance for Ataxia-telangiectasia syndrome. Last evaluated: 2023-09-08. Review status: criteria provided, single submitter. Criteria: Invitae Variant Classification Sherloc (09022015). Collection method: clinical testing. Allele origin: germline.
Comment: In summary, the available evidence is currently insufficient to determine the role of this variant in disease. Therefore, it has been classified as a Variant of Uncertain Significance. Variants that disrupt the consensus splice site are a relatively common cause of aberrant splicing (PMID: 17576681, 9536098). Algorithms developed to predict the effect of sequence changes on RNA splicing suggest that this variant is not likely to affect RNA splicing. This variant has not been reported in the literature in individuals affected with ATM-related conditions. This variant is not present in population databases (gnomAD no frequency). This sequence change falls in intron 48 of the ATM gene. It does not directly change the encoded amino acid sequence of the ATM protein. It affects a nucleotide within the consensus splice site.

Literature cited by the submitters: PubMed 17576681 (cited by Labcorp Genetics (formerly Invitae), Labcorp); PubMed 9536098 (cited by Labcorp Genetics (formerly Invitae), Labcorp).